The following is an entry in ClinVar:

ClinVar aggregate classification (germline): Uncertain significance (1 of 4 stars; one submission).

Submission:

Ambry Genetics
Classification: Uncertain significance. Last evaluated: 2024-05-04. Review status: criteria provided, single submitter. Criteria: Ambry Variant Classification Scheme 2023. Collection method: clinical testing. Allele origin: germline.
Comment: The p.G195R variant (also known as c.583G>C), located in coding exon 1 of the PALLD gene, results from a G to C substitution at nucleotide position 583. The glycine at codon 195 is replaced by arginine, an amino acid with dissimilar properties. This amino acid position is conserved. In addition, the in silico prediction for this alteration is inconclusive. Based on the available evidence, the clinical significance of this variant remains unclear.

NM_001166108.2(PALLD):c.583G>C (p.Gly195Arg)

Gene: PALLD (palladin, cytoskeletal associated protein; plus strand). Cytogenetic location: 4q32.3.
Variant type: single nucleotide variant.
Coding change: c.583G>C on transcript NM_001166108.2 (MANE Select); coding-DNA position 583, G replaced by C.
Protein change: p.Gly195Arg; replaces glycine 195 with arginine.
Molecular consequence: missense variant.
Genome position (GRCh38, 1-based): chr4:168,512,087, G>C. VCF-style: chr4-168512087-G-C. GRCh37 (hg19) VCF-style: chr4-169433238-G-C.
Other names: c.583G>C, p.Gly195Arg (NM_016081.4); short protein forms G195R.
Identifiers: ClinVar variation 3304078 (VCV003304078.1).